The following is an entry in ClinVar:

NM_138348.6(OTULIN):c.590A>G (p.Lys197Arg)

Gene: OTULIN (OTU deubiquitinase with linear linkage specificity; plus strand). Cytogenetic location: 5p15.2.
Variant type: single nucleotide variant.
Coding change: c.590A>G on transcript NM_138348.6 (MANE Select); coding-DNA position 590, A replaced by G.
Protein change: p.Lys197Arg; replaces lysine 197 with arginine.
Molecular consequence: missense variant.
Genome position (GRCh38, 1-based): chr5:14,687,642, A>G. VCF-style: chr5-14687642-A-G. GRCh37 (hg19) VCF-style: chr5-14687751-A-G.
Other names: c.590A>G (NM_138348.4); short protein forms K197R.
Identifiers: ClinVar variation 3350629 (VCV003350629.3).
Genomic context (GRCh38, chr5:14,687,642, plus strand): 5'-TTGATGGGAAGAATGAGGACCTGGTTGATAAAATTAAAGAGTCCCTTACTCTGCTGAGGA[A>G]GAAGGTTTGGAACCTGTAGTGTCCTGTCTGATAAGGGTGAAGCTCTCGTTCTTGCTTGCC-3'
Protein context (NP_612357.4, residues 187-207): KIKESLTLLR[Lys197Arg]KWAGLAEMRT

ClinVar aggregate classification (germline): Uncertain significance. Review status: criteria provided, multiple submitters, no conflicts (2 of 4 stars). 3 submissions from 3 submitters: Uncertain significance (2). 1 of the submissions does not count toward it. Last evaluated 2025-07-29.

Conditions:
OTULIN-related disorder. Also called: OTULIN-related condition.

gnomAD v4.1: 19 of 1,611,638 alleles (0.0012%); highest among the groups gnomAD compares: Non-Finnish European, 0.0014%; no homozygotes.

Submissions (3):

Labcorp Genetics (formerly Invitae), Labcorp
Classification: Uncertain significance. Last evaluated: 2025-07-29. Review status: criteria provided, single submitter. Criteria: Invitae Variant Classification Sherloc (09022015). Collection method: clinical testing. Allele origin: germline.
Comment: This sequence change replaces lysine, which is basic and polar, with arginine, which is basic and polar, at codon 197 of the OTULIN protein (p.Lys197Arg). This variant is present in population databases (no rsID available, gnomAD 0.0009%). This variant has not been reported in the literature in individuals affected with OTULIN-related conditions. ClinVar contains an entry for this variant (Variation ID: 3350629). Invitae Evidence Modeling of protein sequence and biophysical properties (such as structural, functional, and spatial information, amino acid conservation, physicochemical variation, residue mobility, and thermodynamic stability) indicates that this missense variant is not expected to disrupt OTULIN protein function with a negative predictive value of 80%. Algorithms developed to predict the effect of sequence changes on RNA splicing suggest that this variant may disrupt the consensus splice site. In summary, the available evidence is currently insufficient to determine the role of this variant in disease. Therefore, it has been classified as a Variant of Uncertain Significance.

Ambry Genetics
Classification: Uncertain significance. Last evaluated: 2024-07-02. Review status: criteria provided, single submitter. Criteria: Ambry Variant Classification Scheme 2023. Collection method: clinical testing. Allele origin: germline.

PreventionGenetics, part of Exact Sciences
Classification: Uncertain significance for OTULIN-related condition. Last evaluated: 2024-06-28. Review status: no assertion criteria provided. Collection method: clinical testing. Allele origin: germline. Not counted in ClinVar's aggregate classification.
Comment: The OTULIN c.590A>G variant is predicted to result in the amino acid substitution p.Lys197Arg. To our knowledge, this variant has not been reported in the literature. This variant is reported in 0.00089% of alleles in individuals of European (Non-Finnish) descent in gnomAD. At this time, the clinical significance of this variant is uncertain due to the absence of conclusive functional and genetic evidence.